The following is an entry in ClinVar:

ClinVar aggregate classification (germline): Uncertain significance. Review status: criteria provided, multiple submitters, no conflicts (2 of 4 stars). 2 submissions from 2 submitters: Uncertain significance (2). Last evaluated 2024-07-30.

Conditions:
Inborn genetic diseases. Identifiers: MedGen C0950123, MeSH D030342.

Allele frequency attached by ClinVar (database versions not stated): gnomAD exomes below 0.00001; TOPMed 0.00001.
gnomAD v4.1: 3 of 1,614,184 alleles (0.00019%); highest among the groups gnomAD compares: Non-Finnish European, 0.00025%; no homozygotes.

Submissions (2):

Ambry Genetics
Classification: Uncertain significance for Inborn genetic diseases. Last evaluated: 2024-07-30. Review status: criteria provided, single submitter. Criteria: Ambry Variant Classification Scheme 2023. Collection method: clinical testing. Allele origin: germline.

Labcorp Genetics (formerly Invitae), Labcorp
Classification: Uncertain significance. Last evaluated: 2022-03-01. Review status: criteria provided, single submitter. Criteria: Invitae Variant Classification Sherloc (09022015). Collection method: clinical testing. Allele origin: germline.
Comment: This sequence change replaces histidine, which is basic and polar, with tyrosine, which is neutral and polar, at codon 120 of the KIAA0753 protein (p.His120Tyr). In summary, the available evidence is currently insufficient to determine the role of this variant in disease. Therefore, it has been classified as a Variant of Uncertain Significance. Algorithms developed to predict the effect of missense changes on protein structure and function output the following: SIFT: "Tolerated"; PolyPhen-2: "Benign"; Align-GVGD: "Class C0". The tyrosine amino acid residue is found in multiple mammalian species, which suggests that this missense change does not adversely affect protein function. This variant has not been reported in the literature in individuals affected with KIAA0753-related conditions. This variant is not present in population databases (gnomAD no frequency).

NM_014804.3(KIAA0753):c.358C>T (p.His120Tyr)

Gene: KIAA0753 (KIAA0753; minus strand). Cytogenetic location: 17p13.1.
Variant type: single nucleotide variant.
Coding change: c.358C>T on transcript NM_014804.3 (MANE Select); coding-DNA position 358, C replaced by T.
Protein change: p.His120Tyr; replaces histidine 120 with tyrosine.
Molecular consequence: missense variant. On other transcripts: 5 prime UTR variant (1), non-coding transcript variant (3).
Genome position (GRCh38, 1-based): chr17:6,628,477, G>A on the plus strand (C>T on the coding strand, the complement: KIAA0753 is on the minus strand). VCF-style: chr17-6628477-G-A. GRCh37 (hg19) VCF-style: chr17-6531797-G-A.
Other names: c.-877C>T (NM_001351225.2); c.358C>T (NM_014804.2); short protein forms H120Y.
Identifiers: ClinVar variation 1939759 (VCV001939759.6), dbSNP rs1369554203, ClinGen allele CA397415080.